The following is an entry in ClinVar:

NM_021076.4(NEFH):c.1276C>T (p.Leu426Phe)

Gene: NEFH (neurofilament heavy chain; plus strand). Cytogenetic location: 22q12.2.
Variant type: single nucleotide variant.
Coding change: c.1276C>T on transcript NM_021076.4 (MANE Select); coding-DNA position 1276, C replaced by T.
Protein change: p.Leu426Phe; replaces leucine 426 with phenylalanine.
Molecular consequence: missense variant.
Genome position (GRCh38, 1-based): chr22:29,488,916, C>T. VCF-style: chr22-29488916-C-T. GRCh37 (hg19) VCF-style: chr22-29884905-C-T.
Other names: short protein forms L426F.
Identifiers: ClinVar variation 1951370 (VCV001951370.5), dbSNP rs754696776, ClinGen allele CA323087482.

ClinVar aggregate classification (germline): Uncertain significance (1 of 4 stars; one submission).

Allele frequency attached by ClinVar (database versions not stated): TOPMed below 0.00001.

Submission:

Labcorp Genetics (formerly Invitae), Labcorp
Classification: Uncertain significance. Last evaluated: 2022-03-11. Review status: criteria provided, single submitter. Criteria: Invitae Variant Classification Sherloc (09022015). Collection method: clinical testing. Allele origin: germline.
Comment: In summary, the available evidence is currently insufficient to determine the role of this variant in disease. Therefore, it has been classified as a Variant of Uncertain Significance. Advanced modeling of protein sequence and biophysical properties (such as structural, functional, and spatial information, amino acid conservation, physicochemical variation, residue mobility, and thermodynamic stability) performed at Invitae indicates that this missense variant is not expected to disrupt NEFH protein function. This variant has not been reported in the literature in individuals affected with NEFH-related conditions. This variant is not present in population databases (gnomAD no frequency). This sequence change replaces leucine, which is neutral and non-polar, with phenylalanine, which is neutral and non-polar, at codon 426 of the NEFH protein (p.Leu426Phe).